The following is an entry in ClinVar:

NM_000709.4(BCKDHA):c.289-5C>T

Gene: BCKDHA (branched chain keto acid dehydrogenase E1 subunit alpha; plus strand). Cytogenetic location: 19q13.2.
Variant type: single nucleotide variant.
Coding change: c.289-5C>T on transcript NM_000709.4 (MANE Select); 5 bases into the intron before coding-DNA position 289, C replaced by T.
Molecular consequence: intron variant.
Genome position (GRCh38, 1-based): chr19:41,410,918, C>T. VCF-style: chr19-41410918-C-T. GRCh37 (hg19) VCF-style: chr19-41916823-C-T.
Other names: c.289-5C>T (NM_001164783.2).
Identifiers: ClinVar variation 506733 (VCV000506733.20), dbSNP rs200646708, ClinGen allele CA9461076.

ClinVar aggregate classification (germline): Conflicting classifications of pathogenicity. Review status: criteria provided, conflicting classifications (1 of 4 stars). 5 submissions from 5 submitters: Uncertain significance (1); Likely benign (3). 1 of the submissions does not count toward it. Last evaluated 2026-01-31.

Conditions:
BCKDHA-related disorder. Also called: BCKDHA-related condition.
Maple syrup urine disease (MSUD). Identifiers: Orphanet 511, MedGen C0024776, MeSH D008375, MONDO:0009563. Disease mechanism: loss of function.

Allele frequency attached by ClinVar (database versions not stated): gnomAD exomes 0.00045 and 0.00067; ESP Exome Variant Server 0.00046; TOPMed 0.00048; gnomAD 0.00050 and 0.00053; ExAC 0.00076.
gnomAD v4.1: 745 of 1,614,132 alleles (0.046%); highest among the groups gnomAD compares: Admixed American, 0.067%; no homozygotes.

Submissions (5):

Labcorp Genetics (formerly Invitae), Labcorp
Classification: Likely benign for Maple syrup urine disease. Last evaluated: 2026-01-31. Review status: criteria provided, single submitter. Criteria: Invitae Variant Classification Sherloc (09022015). Collection method: clinical testing. Allele origin: germline.

Genome-Nilou Lab
Classification: Likely benign for Maple syrup urine disease type 1A. Last evaluated: 2021-11-07. Review status: criteria provided, single submitter. Criteria: ACMG Guidelines, 2015. Collection method: clinical testing. Allele origin: germline. Affected: no.

Illumina Laboratory Services, Illumina
Classification: Uncertain significance for Maple syrup urine disease type 1A. Last evaluated: 2018-01-13. Review status: criteria provided, single submitter. Criteria: ICSL Variant Classification Criteria 13 December 2019. Collection method: clinical testing. Allele origin: germline.

GeneDx
Classification: Likely benign. Last evaluated: 2017-12-19. Review status: criteria provided, single submitter. Criteria: GeneDx Variant Classification (06012015). Collection method: clinical testing. Allele origin: germline. Affected: yes.
Comment: This variant is considered likely benign or benign based on one or more of the following criteria: it is a conservative change, it occurs at a poorly conserved position in the protein, it is predicted to be benign by multiple in silico algorithms, and/or has population frequency not consistent with disease.

PreventionGenetics, part of Exact Sciences
Classification: Likely benign for BCKDHA-related condition. Last evaluated: 2019-09-12. Review status: no assertion criteria provided. Collection method: clinical testing. Allele origin: germline. Not counted in ClinVar's aggregate classification.
Comment: This variant is classified as likely benign based on ACMG/AMP sequence variant interpretation guidelines (Richards et al. 2015 PMID: 25741868, with internal and published modifications).